The following is an entry in ClinVar:

NM_018023.5(YEATS2):c.1627G>A (p.Gly543Arg)

Gene: YEATS2 (YEATS domain containing 2; plus strand). Cytogenetic location: 3q27.1.
Variant type: single nucleotide variant.
Coding change: c.1627G>A on transcript NM_018023.5 (MANE Select); coding-DNA position 1627, G replaced by A.
Protein change: p.Gly543Arg; replaces glycine 543 with arginine.
Molecular consequence: missense variant.
Genome position (GRCh38, 1-based): chr3:183,758,936, G>A. VCF-style: chr3-183758936-G-A. GRCh37 (hg19) VCF-style: chr3-183476724-G-A.
Other names: c.1627G>A, p.Gly543Arg (NM_001351369.2, NM_001351371.2); c.1630G>A, p.Gly544Arg (NM_001351370.2); c.1627G>A (NM_018023.4); short protein forms G543R, G544R.
Identifiers: ClinVar variation 3031922 (VCV003031922.3), dbSNP rs370579078, ClinGen allele CA2722362.
Genomic context (GRCh38, chr3:183,758,936, plus strand): 5'-AAGATCTCCACGGCTTCTCAGGTCTCCCAAGGAACAGGTTCCCCTGTTCCTAAAATTCAT[G>A]GAAGTAGTTTTGTAACATCTACTGTCAAGGTAACATTCTTACTGCGTTATTACACTTTGC-3'
Protein context (NP_060493.3, residues 533-553): GTGSPVPKIH[Gly543Arg]SSFVTSTVKQ

ClinVar aggregate classification (germline): Uncertain significance. Review status: criteria provided, single submitter (1 of 4 stars). 2 submissions from 2 submitters: Uncertain significance (1). 1 of the submissions does not count toward it. Last evaluated 2024-07-02.

Conditions:
YEATS2-related disorder. Also called: YEATS2-related condition.

Allele frequency attached by ClinVar (database versions not stated): gnomAD exomes 0.00002; ExAC 0.00003; ESP Exome Variant Server 0.00017; gnomAD 0.00017.
gnomAD v4.1: 51 of 1,590,554 alleles (0.0032%); highest among the groups gnomAD compares: African/African-American, 0.068%; no homozygotes.

Submissions (2):

Ambry Genetics
Classification: Uncertain significance. Last evaluated: 2024-07-02. Review status: criteria provided, single submitter. Criteria: Ambry Variant Classification Scheme 2023. Collection method: clinical testing. Allele origin: germline.

PreventionGenetics, part of Exact Sciences
Classification: Likely benign for YEATS2-related condition. Last evaluated: 2023-05-22. Review status: no assertion criteria provided. Collection method: clinical testing. Allele origin: germline. Not counted in ClinVar's aggregate classification.
Comment: This variant is classified as likely benign based on ACMG/AMP sequence variant interpretation guidelines (Richards et al. 2015 PMID: 25741868, with internal and published modifications).